The following is an entry in ClinVar:

NM_002472.3(MYH8):c.3928G>A (p.Ala1310Thr)

Genes: MYH8 (myosin heavy chain 8; minus strand), MYHAS (myosin heavy chain gene cluster antisense RNA; plus strand). Cytogenetic location: 17p13.1.
Variant type: single nucleotide variant.
Coding change: c.3928G>A on transcript NM_002472.3 (MANE Select); coding-DNA position 3928, G replaced by A.
Protein change: p.Ala1310Thr; replaces alanine 1310 with threonine.
Molecular consequence: missense variant.
Genome position (GRCh38, 1-based): chr17:10,398,821, C>T on the plus strand (G>A on the coding strand, the complement: MYH8 is on the minus strand). VCF-style: chr17-10398821-C-T. GRCh37 (hg19) VCF-style: chr17-10302138-C-T.
Other names: short protein forms A1310T.
Identifiers: ClinVar variation 3895659 (VCV003895659.1).
Genomic context (GRCh38, chr17:10,398,821, plus strand): 5'-AACTCACTTTAGTTTCTTCCTCTAGTTGATGTTTCAGCTCTTCAATCTGCTGAGTAGATG[C>T]TTGCTTGCTCCTTGAAAGCTGAGAGACTAAAGCATCTTTCTCATCTAATTGTCGAGAATA-3'
Protein context (NP_002463.2, residues 1300-1320): LVSQLSRSKQ[Ala1310Thr]STQQIEELKH

ClinVar aggregate classification (germline): Uncertain significance (1 of 4 stars; one submission).

Submission:

Women's Health and Genetics/Laboratory Corporation of America, LabCorp
Classification: Uncertain significance. Last evaluated: 2025-03-14. Review status: criteria provided, single submitter. Criteria: LabCorp Variant Classification Summary - May 2015. Collection method: clinical testing. Allele origin: germline.
Comment: Variant summary: MYH8 c.3928G>A (p.Ala1310Thr) results in a non-conservative amino acid change in the encoded protein sequence. Three of five in-silico tools predict a benign effect of the variant on protein function. The variant was absent in 251366 control chromosomes. The available data on variant occurrences in the general population are insufficient to allow any conclusion about variant significance. To our knowledge, no occurrence of c.3928G>A in individuals affected with Arthrogryposis Distal Type 7 and no experimental evidence demonstrating its impact on protein function have been reported. No submitters have cited clinical-significance assessments for this variant to ClinVar. Based on the evidence outlined above, the variant was classified as uncertain significance.